The following is an entry in ClinVar:

NM_000089.4(COL1A2):c.1420G>A (p.Asp474Asn)

Gene: COL1A2 (collagen type I alpha 2 chain; plus strand). Cytogenetic location: 7q21.3.
Variant type: single nucleotide variant.
Coding change: c.1420G>A on transcript NM_000089.4 (MANE Select); coding-DNA position 1420, G replaced by A.
Protein change: p.Asp474Asn; replaces aspartic acid 474 with asparagine.
Molecular consequence: missense variant.
Genome position (GRCh38, 1-based): chr7:94,412,599, G>A. VCF-style: chr7-94412599-G-A. GRCh37 (hg19) VCF-style: chr7-94041911-G-A.
Other names: p.Asp474Asn; short protein forms D474N.
Identifiers: ClinVar variation 1706233 (VCV001706233.11), dbSNP rs761880600, ClinGen allele CA4347054.

ClinVar aggregate classification (germline): Uncertain significance. Review status: criteria provided, multiple submitters, no conflicts (2 of 4 stars). 4 submissions from 4 submitters: Uncertain significance (4). Last evaluated 2025-08-24.

Conditions:
Osteogenesis imperfecta type I (OI1). Also called: Lobstein's Disease; OI, TYPE I; OSTEOGENESIS IMPERFECTA TARDA; Lobstein disease; Classic Non-deforming Osteogenesis Imperfecta with Blue Sclerae; OSTEOGENESIS IMPERFECTA WITH BLUE SCLERAE. Identifiers: Orphanet 216796, Orphanet 666, MedGen C0023931, MONDO:0008146, OMIM 166200. Disease mechanism: loss of function.
Ehlers-Danlos syndrome, classic type, 1 (EDSCL1). Also called: Ehlers-Danlos syndrome, type 1; EHLERS-DANLOS SYNDROME, GRAVIS TYPE; EHLERS-DANLOS SYNDROME, SEVERE CLASSIC TYPE; Ehlers-Danlos Syndrome, Classic Type, COL5A1-Related; EDS I. Identifiers: MedGen C0268335, MONDO:0019567, OMIM 130000.
Cardiovascular phenotype. Identifiers: MedGen CN230736.

Allele frequency attached by ClinVar (database versions not stated): gnomAD 0.00001; ExAC 0.00001; TOPMed 0.00002.
gnomAD v4.1: 10 of 1,613,748 alleles (0.00062%); highest among the groups gnomAD compares: East Asian, 0.0089%; no homozygotes.

Submissions (4):

Mayo Clinic Laboratories, Mayo Clinic
Classification: Uncertain significance. Last evaluated: 2025-08-24. Review status: criteria provided, single submitter. Criteria: ACMG Guidelines, 2015. Collection method: clinical testing. Allele origin: germline. Observed: 1 variant allele.
Comment: PM2_supporting

GeneDx
Classification: Uncertain significance. Last evaluated: 2023-07-12. Review status: criteria provided, single submitter. Criteria: GeneDx Variant Classification Process June 2021. Collection method: clinical testing. Allele origin: germline.
Comment: Has not been previously published as pathogenic or benign to our knowledge; In silico analysis supports that this missense variant has a deleterious effect on protein structure/function; Occurs in the triple helical domain at the Y position in the canonical Gly-X-Y repeat; although this variant may have an effect on normal protein folding and function, missense substitution at the Y position is not a common mechanism of disease; Not observed at significant frequency in large population cohorts (gnomAD)

Labcorp Genetics (formerly Invitae), Labcorp
Classification: Uncertain significance for Osteogenesis imperfecta type I; Ehlers-Danlos syndrome, classic type, 1. Last evaluated: 2022-09-30. Review status: criteria provided, single submitter. Criteria: Invitae Variant Classification Sherloc (09022015). Collection method: clinical testing. Allele origin: germline.
Comment: In summary, the available evidence is currently insufficient to determine the role of this variant in disease. Therefore, it has been classified as a Variant of Uncertain Significance. Advanced modeling of protein sequence and biophysical properties (such as structural, functional, and spatial information, amino acid conservation, physicochemical variation, residue mobility, and thermodynamic stability) performed at Invitae indicates that this missense variant is not expected to disrupt COL1A2 protein function. This variant has not been reported in the literature in individuals affected with COL1A2-related conditions. This variant is present in population databases (rs761880600, gnomAD 0.005%). This sequence change replaces aspartic acid, which is acidic and polar, with asparagine, which is neutral and polar, at codon 474 of the COL1A2 protein (p.Asp474Asn).

Ambry Genetics
Classification: Uncertain significance for Cardiovascular phenotype. Last evaluated: 2020-01-15. Review status: criteria provided, single submitter. Criteria: Ambry Variant Classification Scheme 2023. Collection method: clinical testing. Allele origin: germline.
Comment: The p.D474N variant (also known as c.1420G>A), located in coding exon 25 of the COL1A2 gene, results from a G to A substitution at nucleotide position 1420. The aspartic acid at codon 474 is replaced by asparagine, an amino acid with highly similar properties. This amino acid position is well conserved in available vertebrate species. In addition, the in silico prediction for this alteration is inconclusive. Since supporting evidence is limited at this time, the clinical significance of this alteration remains unclear.